The following is an entry in ClinVar:

NM_020427.3(SLURP1):c.1A>C (p.Met1Leu)

Gene: SLURP1 (secreted LY6/PLAUR domain containing 1; minus strand). Cytogenetic location: 8q24.3.
Variant type: single nucleotide variant.
Coding change: c.1A>C on transcript NM_020427.3 (MANE Select); coding-DNA position 1, A replaced by C.
Protein change: p.Met1Leu; changes the start codon (methionine 1).
Molecular consequence: missense variant, initiator codon variant.
Genome position (GRCh38, 1-based): chr8:142,742,385, T>G on the plus strand (A>C on the coding strand, the complement: SLURP1 is on the minus strand). VCF-style: chr8-142742385-T-G. GRCh37 (hg19) VCF-style: chr8-143823803-T-G.
Other names: short protein forms M1L.
Identifiers: ClinVar variation 4604 (VCV000004604.4), dbSNP rs28937889, ClinGen allele CA116952.

ClinVar aggregate classification (germline): Likely pathogenic. Review status: criteria provided, single submitter (1 of 4 stars). 2 submissions from 2 submitters: Likely pathogenic (1). 1 of the submissions does not count toward it. Last evaluated 2024-10-04.

Conditions:
Acroerythrokeratoderma (MDM). Also called: PALMOPLANTAR KERATODERMA, NORRBOTTEN RECESSIVE TYPE; PALMOPLANTAR KERATODERMA, GAMBORG NIELSEN TYPE; Meleda disease; Mal de Meleda; KERATOSIS PALMOPLANTARIS TRANSGREDIENS OF SIEMENS. Identifiers: Orphanet 87503, MedGen C0025221, MONDO:0009552, OMIM 248300.

Submissions (2):

Dubai Health Genomic Medicine Center, Dubai Health
Classification: Likely pathogenic for Meleda disease. Last evaluated: 2024-10-04. Review status: criteria provided, single submitter. Criteria: ACMG Guidelines, 2015. Collection method: research. Allele origin: germline. Affected: yes.
Comment: PVS1,PM2

OMIM
Classification: Pathogenic for MAL DE MELEDA. Last evaluated: 2003-01-01. Review status: no assertion criteria provided. Collection method: literature only. Allele origin: germline. Not counted in ClinVar's aggregate classification.

Literature cited by the submitters: PubMed 12483299 (cited by OMIM).